The following is an entry in ClinVar:

NM_006231.4(POLE):c.4649A>G (p.Lys1550Arg)

Gene: POLE (DNA polymerase epsilon, catalytic subunit; minus strand). Cytogenetic location: 12q24.33.
Variant type: single nucleotide variant.
Coding change: c.4649A>G on transcript NM_006231.4 (MANE Select); coding-DNA position 4649, A replaced by G.
Protein change: p.Lys1550Arg; replaces lysine 1550 with arginine.
Molecular consequence: missense variant.
Genome position (GRCh38, 1-based): chr12:132,642,899, T>C on the plus strand (A>G on the coding strand, the complement: POLE is on the minus strand). VCF-style: chr12-132642899-T-C. GRCh37 (hg19) VCF-style: chr12-133219485-T-C.
Other names: short protein forms K1550R.
Identifiers: ClinVar variation 405894 (VCV000405894.8), dbSNP rs5744947, ClinGen allele CA16613573.

ClinVar aggregate classification (germline): Conflicting classifications of pathogenicity. Review status: criteria provided, conflicting classifications (1 of 4 stars). 3 submissions from 3 submitters: Uncertain significance (2); Likely benign (1). Last evaluated 2025-12-13.

Conditions:
Hereditary cancer-predisposing syndrome. Also called: Hereditary Cancer Syndrome; Hereditary neoplastic syndrome; Neoplastic Syndromes, Hereditary; Tumor predisposition. Identifiers: Orphanet 140162, MedGen C0027672, MeSH D009386, MONDO:0015356.

Allele frequency attached by ClinVar (database versions not stated): gnomAD exomes 0.00001.

Submissions (3):

Labcorp Genetics (formerly Invitae), Labcorp
Classification: Uncertain significance. Last evaluated: 2025-12-13. Review status: criteria provided, single submitter. Criteria: Invitae Variant Classification Sherloc (09022015). Collection method: clinical testing. Allele origin: germline.
Comment: This sequence change replaces lysine, which is basic and polar, with arginine, which is basic and polar, at codon 1550 of the POLE protein (p.Lys1550Arg). This variant is not present in population databases (gnomAD no frequency). This variant has not been reported in the literature in individuals affected with POLE-related conditions. ClinVar contains an entry for this variant (Variation ID: 405894). Invitae Evidence Modeling of protein sequence and biophysical properties (such as structural, functional, and spatial information, amino acid conservation, physicochemical variation, residue mobility, and thermodynamic stability) indicates that this missense variant is not expected to disrupt POLE protein function with a negative predictive value of 80%. In summary, the available evidence is currently insufficient to determine the role of this variant in disease. Therefore, it has been classified as a Variant of Uncertain Significance.

GeneDx
Classification: Uncertain significance. Last evaluated: 2025-04-07. Review status: criteria provided, single submitter. Criteria: GeneDx Variant Classification Process June 2021. Collection method: clinical testing. Allele origin: germline. Affected: yes.
Comment: Not observed at significant frequency in large population cohorts (gnomAD); In silico analysis indicates that this missense variant does not alter protein structure/function; Observed in an individual with pancreatic cancer (PMID: 36896836); This variant is associated with the following publications: (PMID: 36896836)

Ambry Genetics
Classification: Likely benign for Hereditary cancer-predisposing syndrome. Last evaluated: 2024-12-09. Review status: criteria provided, single submitter. Criteria: Ambry Variant Classification Scheme 2023. Collection method: clinical testing. Allele origin: germline.